The following is an entry in ClinVar:

ClinVar aggregate classification (germline): Uncertain significance. Review status: criteria provided, multiple submitters, no conflicts (2 of 4 stars). 3 submissions from 3 submitters: Uncertain significance (2). 1 of the submissions does not count toward it. Last evaluated 2024-08-05.

Conditions:
Arthrogryposis, distal, type 1A. Also called: ARTHROGRYPOSIS MULTIPLEX CONGENITA, DISTAL, TYPE I. Identifiers: Orphanet 1146, MedGen C6022280, MONDO:0007157, OMIM 108120.

Submissions (3):

Labcorp Genetics (formerly Invitae), Labcorp
Classification: Uncertain significance for Arthrogryposis, distal, type 1A. Last evaluated: 2024-08-05. Review status: criteria provided, single submitter. Criteria: Invitae Variant Classification Sherloc (09022015). Collection method: clinical testing. Allele origin: germline.
Comment: This sequence change replaces arginine, which is basic and polar, with proline, which is neutral and non-polar, at codon 133 of the TPM2 protein (p.Arg133Pro). This variant is not present in population databases (gnomAD no frequency). This missense change has been observed in individual(s) with autosomal dominant TPM2-related conditions (PMID: 24692096). ClinVar contains an entry for this variant (Variation ID: 140491). Advanced modeling of protein sequence and biophysical properties (such as structural, functional, and spatial information, amino acid conservation, physicochemical variation, residue mobility, and thermodynamic stability) performed at Invitae indicates that this missense variant is expected to disrupt TPM2 protein function with a positive predictive value of 80%. This variant disrupts the p.Arg133 amino acid residue in TPM2. Other variant(s) that disrupt this residue have been determined to be pathogenic (PMID: 17339586, 23678273, 24692096, 32092148). This suggests that this residue is clinically significant, and that variants that disrupt this residue are likely to be disease-causing. In summary, the available evidence is currently insufficient to determine the role of this variant in disease. Therefore, it has been classified as a Variant of Uncertain Significance.

Revvity Omics, Revvity
Classification: Uncertain significance. Last evaluated: 2021-09-02. Review status: criteria provided, single submitter. Criteria: ACMG Guidelines, 2015. Collection method: clinical testing. Allele origin: germline.

TPM2 homepage - Leiden Muscular Dystrophy pages
No classification provided. Review status: no classification provided. Collection method: not provided. Allele origin: de novo. Not counted in ClinVar's aggregate classification.

Literature cited by the submitters: PubMed 24692096 (cited by Labcorp Genetics (formerly Invitae), Labcorp); PubMed 17339586 (cited by Labcorp Genetics (formerly Invitae), Labcorp); PubMed 23678273 (cited by Labcorp Genetics (formerly Invitae), Labcorp); PubMed 32092148 (cited by Labcorp Genetics (formerly Invitae), Labcorp).

NM_003289.4(TPM2):c.398G>C (p.Arg133Pro)

Gene: TPM2 (tropomyosin 2; minus strand). Cytogenetic location: 9p13.3.
Variant type: single nucleotide variant.
Coding change: c.398G>C on transcript NM_003289.4 (MANE Select); coding-DNA position 398, G replaced by C.
Protein change: p.Arg133Pro; replaces arginine 133 with proline.
Molecular consequence: missense variant.
Genome position (GRCh38, 1-based): chr9:35,685,528, C>G on the plus strand (G>C on the coding strand, the complement: TPM2 is on the minus strand). VCF-style: chr9-35685528-C-G. GRCh37 (hg19) VCF-style: chr9-35685525-C-G.
Other names: c.398G>C, p.Arg133Pro (NM_001301226.2, NM_001301227.2, NM_213674.1); short protein forms R133P.
Identifiers: ClinVar variation 140491 (VCV000140491.9), dbSNP rs199476152, ClinGen allele CA232647.